The following is an entry in ClinVar:

NM_002204.4(ITGA3):c.160T>G (p.Tyr54Asp)

Gene: ITGA3 (integrin subunit alpha 3; plus strand). Cytogenetic location: 17q21.33.
Variant type: single nucleotide variant.
Coding change: c.160T>G on transcript NM_002204.4 (MANE Select); coding-DNA position 160, T replaced by G.
Protein change: p.Tyr54Asp; replaces tyrosine 54 with aspartic acid.
Molecular consequence: missense variant.
Genome position (GRCh38, 1-based): chr17:50,056,599, T>G. VCF-style: chr17-50056599-T-G. GRCh37 (hg19) VCF-style: chr17-48133963-T-G.
Other names: NM_005501.2:c.160T>G; short protein forms Y54D.
Identifiers: ClinVar variation 3582223 (VCV003582223.4).

ClinVar aggregate classification (germline): Uncertain significance. Review status: criteria provided, multiple submitters, no conflicts (2 of 4 stars). 3 submissions from 3 submitters: Uncertain significance (3). Last evaluated 2025-03-07.

Conditions:
Epidermolysis bullosa, junctional 7, with interstitial lung disease and nephrotic syndrome. Also called: Interstitial lung disease, nephrotic syndrome, and epidermolysis bullosa, congenital; Interstitial Lung Disease with Nephrotic Syndrome and Epidermolysis Bullosa. Identifiers: Orphanet 306504, MedGen C4518785, MONDO:0013881, OMIM 614748.
Inborn genetic diseases. Identifiers: MedGen C0950123, MeSH D030342.

Submissions (3):

Ambry Genetics
Classification: Uncertain significance for Inborn genetic diseases. Last evaluated: 2025-03-07. Review status: criteria provided, single submitter. Criteria: Ambry Variant Classification Scheme 2023. Collection method: clinical testing. Allele origin: germline.

Fulgent Genetics
Classification: Uncertain significance for Epidermolysis bullosa, junctional 7, with interstitial lung disease and nephrotic syndrome. Last evaluated: 2024-05-14. Review status: criteria provided, single submitter. Criteria: ACMG Guidelines, 2015. Collection method: clinical testing. Allele origin: germline.

Labcorp Genetics (formerly Invitae), Labcorp
Classification: Uncertain significance. Last evaluated: 2024-02-20. Review status: criteria provided, single submitter. Criteria: Invitae Variant Classification Sherloc (09022015). Collection method: clinical testing. Allele origin: germline.
Comment: This sequence change replaces tyrosine, which is neutral and polar, with aspartic acid, which is acidic and polar, at codon 54 of the ITGA3 protein (p.Tyr54Asp). This variant is present in population databases (rs376671926, gnomAD 0.001%). This variant has not been reported in the literature in individuals affected with ITGA3-related conditions. Advanced modeling of protein sequence and biophysical properties (such as structural, functional, and spatial information, amino acid conservation, physicochemical variation, residue mobility, and thermodynamic stability) performed at Invitae indicates that this missense variant is expected to disrupt ITGA3 protein function with a positive predictive value of 80%. In summary, the available evidence is currently insufficient to determine the role of this variant in disease. Therefore, it has been classified as a Variant of Uncertain Significance.